The following is an entry in ClinVar:

ClinVar aggregate classification (germline): Pathogenic (1 of 4 stars; one submission).

Conditions:
Duchenne muscular dystrophy (DMD). Also called: MUSCULAR DYSTROPHY, PSEUDOHYPERTROPHIC PROGRESSIVE, DUCHENNE TYPE; Duchenne Muscular Dystrophy (DMD). Identifiers: Orphanet 98896, MedGen C0013264, MONDO:0010679, OMIM 310200.

Submission:

Labcorp Genetics (formerly Invitae), Labcorp
Classification: Pathogenic for Duchenne muscular dystrophy. Last evaluated: 2018-09-22. Review status: criteria provided, single submitter. Criteria: Invitae Variant Classification Sherloc (09022015). Collection method: clinical testing. Allele origin: germline.
Comment: This sequence change creates a premature translational stop signal (p.Asp98Glufs*5) in the DMD gene. It is expected to result in an absent or disrupted protein product. This variant is not present in population databases (ExAC no frequency). This variant has not been reported in the literature in individuals with DMD-related disease. Loss-of-function variants in DMD are known to be pathogenic (PMID: 16770791, 25007885). For these reasons, this variant has been classified as Pathogenic.

Literature cited by the submitters: PubMed 16770791; PubMed 25007885.

NM_004006.3(DMD):c.294_306del (p.Asp98fs)

Gene: DMD (dystrophin; minus strand). Cytogenetic location: Xp21.1.
Variant type: Deletion.
Coding change: c.294_306del on transcript NM_004006.3 (MANE Select); coding-DNA positions 294 to 306, 13 bases deleted (CATCGTAGATGGA).
Protein change: p.Asp98fs; shifts the reading frame from aspartic acid 98.
Molecular consequence: frameshift variant. On other transcripts: 5 prime UTR variant (1).
Genome position (GRCh38, 1-based): chrX:32,823,346-32,823,358, TCCATCTACGATG deleted on the plus strand (CATCGTAGATGGA on the coding strand, the reverse complement: DMD is on the minus strand); deleting any 13 consecutive bases within chrX:32,823,346-32,823,360 gives the same sequence; the c. name uses the placement nearest the transcript's 3' end. VCF-style (leftmost placement, unchanged base first): chrX-32823345-TTCCATCTACGATG-T. GRCh37 (hg19) VCF-style: chrX-32841462-TTCCATCTACGATG-T.
Other names: c.270_282del, p.Asp90fs (NM_000109.4); c.282_294del, p.Asp94fs (NM_004009.3); c.-76_-64del (NM_004010.3); c.294_306delCATCGTAGATGGA (NM_004006.2); short protein forms D94fs, D90fs, D98fs.
Identifiers: ClinVar variation 649355 (VCV000649355.7), dbSNP rs1603441550, ClinGen allele CA915950827.
Genomic context (GRCh38, chrX:32,823,345, plus strand): 5'-GGATTCTTACCTGCCAGTGGAGGATTATATTCCAAATCAAACCAAGAGTCAGTTTATGAT[TTCCATCTACGATG>T]TCAGTACTTCCAATATTCACTAAATCAACCTGTTAAAGAAAGGGGTAAAACATTTGAAGG-3'